The following is an entry in ClinVar:

ClinVar aggregate classification (germline): Uncertain significance (1 of 4 stars; one submission).

Conditions:
Inborn genetic diseases. Identifiers: MedGen C0950123, MeSH D030342.

gnomAD v4.1: 2 of 1,613,550 alleles (0.00012%); highest among the groups gnomAD compares: Non-Finnish European, 0.000085%; no homozygotes.

Submission:

Ambry Genetics
Classification: Uncertain significance for Inborn genetic diseases. Last evaluated: 2022-07-27. Review status: criteria provided, single submitter. Criteria: Ambry Variant Classification Scheme 2023. Collection method: clinical testing. Allele origin: germline.
Comment: The p.I1900M variant (also known as c.5700C>G), located in coding exon 33 of the ATR gene, results from a C to G substitution at nucleotide position 5700. The isoleucine at codon 1900 is replaced by methionine, an amino acid with highly similar properties. This amino acid position is conserved. In addition, the in silico prediction for this alteration is inconclusive. Since supporting evidence is limited at this time, the clinical significance of this alteration remains unclear.

NM_001184.4(ATR):c.5700C>G (p.Ile1900Met)

Gene: ATR (ATR checkpoint kinase; minus strand). Cytogenetic location: 3q23.
Variant type: single nucleotide variant.
Coding change: c.5700C>G on transcript NM_001184.4 (MANE Select); coding-DNA position 5700, C replaced by G.
Protein change: p.Ile1900Met; replaces isoleucine 1900 with methionine.
Molecular consequence: missense variant.
Genome position (GRCh38, 1-based): chr3:142,497,051, G>C on the plus strand (C>G on the coding strand, the complement: ATR is on the minus strand). VCF-style: chr3-142497051-G-C. GRCh37 (hg19) VCF-style: chr3-142215893-G-C.
Other names: c.5508C>G, p.Ile1836Met (NM_001354579.2); short protein forms I1836M, I1900M.
Identifiers: ClinVar variation 1749175 (VCV001749175.2), dbSNP rs771371223, ClinGen allele CA354814495.